The following is an entry in ClinVar:

NM_004415.4(DSP):c.6348_6351del (p.Asp2117fs)

Gene: DSP (desmoplakin; plus strand). Cytogenetic location: 6p24.3.
Variant type: Microsatellite.
Coding change: c.6348_6351del on transcript NM_004415.4 (MANE Select); coding-DNA positions 6348 to 6351, 4 bases deleted (TGAT; older notation c.6348_6351delTGAT).
Protein change: p.Asp2117fs; shifts the reading frame from aspartic acid 2117.
Molecular consequence: frameshift variant.
Genome position (GRCh38, 1-based): chr6:7,583,610-7,583,613, TGAT deleted; deleting any 4 consecutive bases within chr6:7,583,605-7,583,613 gives the same sequence; the c. name uses the placement nearest the transcript's 3' end. VCF-style (leftmost placement, unchanged base first): chr6-7583604-TTTGA-T. GRCh37 (hg19) VCF-style: chr6-7583837-TTTGA-T.
Other names: c.6348_6351delTGAT (NM_004415.2); c.4551_4554del, p.Asp1518fs (NM_001008844.3); c.5019_5022del, p.Asp1674fs (NM_001319034.2); c.6348_6351del (NM_004415.3); short protein forms D1518fs, D1674fs, D2117fs.
Identifiers: ClinVar variation 978330 (VCV000978330.6), dbSNP rs1759527886, ClinGen allele CA1085708060.

ClinVar aggregate classification (germline): Pathogenic/Likely pathogenic. Review status: criteria provided, multiple submitters, no conflicts (2 of 4 stars). 4 submissions from 4 submitters: Pathogenic (3); Likely pathogenic (1). Last evaluated 2025-09-29.

Conditions:
DSP-related disorder. Also called: DSP-related disorders; DSP-related condition.
Cardiovascular phenotype. Identifiers: MedGen CN230736.
Cardiomyopathy (CMYO). Also called: Cardiomyopathies. Identifiers: Orphanet 167848, MedGen C0878544, MONDO:0004994, HP:0001638. Inheritance: Various modes of inheritance.

Submissions (4):

Color Diagnostics, LLC DBA Color Health
Classification: Pathogenic for Cardiomyopathy. Last evaluated: 2025-09-29. Review status: criteria provided, single submitter. Criteria: ACMG Guidelines, 2015. Collection method: clinical testing. Allele origin: germline.
Comment: This variant deletes 4 nucleotides in exon 24 of the DSP gene, creating a frameshift at codon 2117 and premature translation stop signal. This variant is expected to result in a non-functional protein product because it disrupts important functional domains such as the plakin repeat domains A, B and C, the linker regions between these domains, as well as amino acids at the C-terminal extremity of the protein, which have been reported to be essential for coalignment and binding of intermediate filaments (PMID: 12101406, 12802069, 21756917). To our knowledge, this variant has not been reported in individuals affected with DSP-related disorders in the literature. This variant has been identified in 3/1613670 chromosomes in the general population by the Genome Aggregation Database (gnomAD). Loss of DSP function is a known mechanism of disease. Based on the available evidence, this variant is classified as Pathogenic.

Blueprint Genetics
Classification: Likely pathogenic for DSP-related disorders. Last evaluated: 2024-05-28. Review status: criteria provided, single submitter. Criteria: ACMG Guidelines, 2015. Collection method: clinical testing. Allele origin: germline. Affected: yes. Observed: 4 variant alleles.

Ambry Genetics
Classification: Pathogenic for Cardiovascular phenotype. Last evaluated: 2023-12-05. Review status: criteria provided, single submitter. Criteria: Ambry Variant Classification Scheme 2023. Collection method: clinical testing. Allele origin: germline.
Comment: The c.6348_6351delTGAT pathogenic mutation, located in coding exon 24 of the DSP gene, results from a deletion of 4 nucleotides at nucleotide positions 6348 to 6351, causing a translational frameshift with a predicted alternate stop codon (p.D2117Efs*17). This alteration occurs at the 3' terminus of the DSP gene, is not expected to trigger nonsense-mediated mRNA decay, and only impacts the last 26% of the protein. However, premature stop codons are typically deleterious in nature and a significant portion of the protein is affected (Ambry internal data). Alterations in DSP that result in haploinsufficiency or protein truncation have been reported in patients with arrhythmogenic right ventricular cardiomyopathy (ARVC) and dilated cardiomyopathy (DCM) (Fressart V et al. Europace. 2010;12(6):861-8; Elliott P et al. Circ Cardiovasc Genet. 2010;3(4):314-22; Quarta G et al. Circulation. 2011;123(23):2701-9; Garcia-Pavia P et al. Heart. 2011;97(21):1744-52; Rasmussen TB et al. Clin Genet. 2013;84(1):20-30; Pugh TJ et al. Genet Med. 2014;16(8):601-8). This variant is considered to be rare based on population cohorts in the Genome Aggregation Database (gnomAD). Based on the supporting evidence, this alteration is interpreted as a disease-causing mutation.

Molecular Diagnostic Laboratory for Inherited Cardiovascular Disease, Montreal Heart Institute
Classification: Pathogenic for Cardiovascular phenotype. Last evaluated: 2023-06-05. Review status: criteria provided, single submitter. Criteria: ACMG Guidelines, 2015. Collection method: clinical testing. Allele origin: germline. Affected: yes.

Literature cited by the submitters: PubMed 12101406 (cited by Color Diagnostics, LLC DBA Color Health); PubMed 12802069 (cited by Color Diagnostics, LLC DBA Color Health); PubMed 21756917 (cited by Color Diagnostics, LLC DBA Color Health).